The following is an entry in ClinVar:

NM_001367561.1(DOCK7):c.6368T>C (p.Val2123Ala)

Gene: DOCK7 (dedicator of cytokinesis 7; minus strand). Cytogenetic location: 1p31.3.
Variant type: single nucleotide variant.
Coding change: c.6368T>C on transcript NM_001367561.1 (MANE Select); coding-DNA position 6368, T replaced by C.
Protein change: p.Val2123Ala; replaces valine 2123 with alanine.
Molecular consequence: missense variant.
Genome position (GRCh38, 1-based): chr1:62,457,550, A>G on the plus strand (T>C on the coding strand, the complement: DOCK7 is on the minus strand). VCF-style: chr1-62457550-A-G. GRCh37 (hg19) VCF-style: chr1-62923221-A-G.
Other names: c.6335T>C, p.Val2112Ala (NM_001271999.2); c.6248T>C, p.Val2083Ala (NM_001272000.2); c.6242T>C, p.Val2081Ala (NM_001272001.2); c.6341T>C, p.Val2114Ala (NM_001330614.2); c.6275T>C, p.Val2092Ala (NM_033407.4); short protein forms V2083A, V2123A, V2092A, V2112A, V2114A, V2081A.
Identifiers: ClinVar variation 2003232 (VCV002003232.4), dbSNP rs779191377, ClinGen allele CA885236.
Genomic context (GRCh38, chr1:62,457,550, plus strand): 5'-TAGGTTTCAGAGGAAAGAATATCTAAAACCACTTAAAAATAAGCATACCTGTGGCAGGTG[A>G]CAGGCAATACTGCCTTGTATAACTGAGGGATCTTTCTGTTGATCAGTGGCTGTAGGGCCT-3'
Protein context (NP_001354490.1, residues 2113-2133): IPQLYKAVLP[Val2123Ala]TCHRDSFSRM

ClinVar aggregate classification (germline): Uncertain significance (1 of 4 stars; one submission).

Conditions:
Developmental and epileptic encephalopathy, 23 (DEE23). Also called: Epileptic encephalopathy, early infantile, 23. Identifiers: Orphanet 411986, MedGen C4014492, MONDO:0014371, OMIM 615859.

Allele frequency attached by ClinVar (database versions not stated): ExAC 0.00001.

Submission:

Labcorp Genetics (formerly Invitae), Labcorp
Classification: Uncertain significance for Developmental and epileptic encephalopathy, 23. Last evaluated: 2022-06-08. Review status: criteria provided, single submitter. Criteria: Invitae Variant Classification Sherloc (09022015). Collection method: clinical testing. Allele origin: germline.
Comment: The frequency data for this variant in the population databases is considered unreliable, as metrics indicate poor data quality at this position in the gnomAD database. This sequence change replaces valine, which is neutral and non-polar, with alanine, which is neutral and non-polar, at codon 2112 of the DOCK7 protein (p.Val2112Ala). This variant has not been reported in the literature in individuals affected with DOCK7-related conditions. In summary, the available evidence is currently insufficient to determine the role of this variant in disease. Therefore, it has been classified as a Variant of Uncertain Significance. Algorithms developed to predict the effect of missense changes on protein structure and function (SIFT, PolyPhen-2, Align-GVGD) all suggest that this variant is likely to be tolerated.